The following is an entry in ClinVar:

ClinVar aggregate classification (germline): Benign/Likely benign. Review status: criteria provided, multiple submitters, no conflicts (2 of 4 stars). 8 submissions from 8 submitters: Benign (3); Likely benign (2). 3 of the submissions do not count toward it. Last evaluated 2026-01-28.

Conditions:
Emery-Dreifuss muscular dystrophy 5, autosomal dominant (EDMD5). Also called: EMERY-DREIFUSS MUSCULAR DYSTROPHY 5. Identifiers: Orphanet 261, MedGen C2751805, MONDO:0013072, OMIM 612999.

Allele frequency attached by ClinVar (database versions not stated): 1000 Genomes Project 0.01058; 1000 Genomes Project 30x 0.01140; ExAC 0.01203; gnomAD exomes 0.01238 and 0.01392; gnomAD 0.01726 and 0.01834; ESP Exome Variant Server 0.01876; TOPMed 0.01966.
gnomAD v4.1: 23,117 of 1,614,186 alleles (1.4%); highest among the groups gnomAD compares: African/African-American, 2.8%; 211 homozygotes.

Submissions (8):

Labcorp Genetics (formerly Invitae), Labcorp
Classification: Benign for Emery-Dreifuss muscular dystrophy 5, autosomal dominant. Last evaluated: 2026-01-28. Review status: criteria provided, single submitter. Criteria: Invitae Variant Classification Sherloc (09022015). Collection method: clinical testing. Allele origin: germline.

Illumina Laboratory Services, Illumina
Classification: Benign for Emery-Dreifuss muscular dystrophy 5, autosomal dominant. Last evaluated: 2018-01-13. Review status: criteria provided, single submitter. Criteria: ICSL Variant Classification Criteria 13 December 2019. Collection method: clinical testing. Allele origin: germline.
Comment: This variant was observed in the ICSL laboratory as part of a predisposition screen in an ostensibly healthy population. It had not been previously curated by ICSL or reported in the Human Gene Mutation Database (HGMD: prior to June 1st, 2018), and was therefore a candidate for classification through an automated scoring system. Utilizing variant allele frequency, disease prevalence and penetrance estimates, and inheritance mode, an automated score was calculated to assess if this variant is too frequent to cause the disease. Based on the score and internal cut-off values, a variant classified as benign is not then subjected to further curation. The score for this variant resulted in a classification of benign for this disease.

Athena Diagnostics
Classification: Benign. Last evaluated: 2017-09-12. Review status: criteria provided, single submitter. Criteria: Athena Diagnostics Criteria. Collection method: clinical testing. Allele origin: germline.

Genome Diagnostics Laboratory, University Medical Center Utrecht
Classification: Likely benign for Emery-Dreifuss muscular dystrophy 5, autosomal dominant. Last evaluated: 2014-10-09. Review status: criteria provided, single submitter. Criteria: ACGS Guidelines, 2013. Collection method: clinical testing. Allele origin: germline. Affected: yes. Study: VKGL Data-share Consensus.

Breakthrough Genomics
Classification: Likely benign. Review status: criteria provided, single submitter. Criteria: ACMG Guidelines, 2015. Collection method: not provided. Allele origin: germline. Inheritance: Autosomal dominant inheritance. Affected: yes.

Clinical Genetics, Academic Medical Center
Classification: Benign. Review status: no assertion criteria provided. Collection method: clinical testing. Allele origin: germline. Affected: yes. Study: VKGL Data-share Consensus. Not counted in ClinVar's aggregate classification.

Genetic Services Laboratory, University of Chicago
Classification: Likely benign for AllHighlyPenetrant. Review status: no assertion criteria provided. Collection method: clinical testing. Allele origin: germline. Inheritance: Autosomal dominant inheritance. Not counted in ClinVar's aggregate classification.
Comment: Likely benign based on allele frequency in 1000 Genomes Project or ESP global frequency and its presence in a patient with a rare or unrelated disease phenotype. NOT Sanger confirmed.

Laboratory of Diagnostic Genome Analysis, Leiden University Medical Center (LUMC)
Classification: Likely benign. Review status: no assertion criteria provided. Collection method: clinical testing. Allele origin: germline. Affected: yes. Study: VKGL Data-share Consensus. Not counted in ClinVar's aggregate classification.

NM_182914.3(SYNE2):c.12122G>A (p.Arg4041His)

Gene: SYNE2 (spectrin repeat containing nuclear envelope protein 2; plus strand). Cytogenetic location: 14q23.2.
Variant type: single nucleotide variant.
Coding change: c.12122G>A on transcript NM_182914.3 (MANE Select); coding-DNA position 12122, G replaced by A.
Protein change: p.Arg4041His; replaces arginine 4041 with histidine.
Molecular consequence: missense variant.
Genome position (GRCh38, 1-based): chr14:64,097,962, G>A. VCF-style: chr14-64097962-G-A. GRCh37 (hg19) VCF-style: chr14-64564680-G-A.
Other names: c.12122G>A, p.Arg4041His (NM_015180.6); short protein forms R4041H.
Identifiers: ClinVar variation 130465 (VCV000130465.24), dbSNP rs17101661, ClinGen allele CA155520.
Genomic context (GRCh38, chr14:64,097,962, plus strand): 5'-AGAGGCCTCAGACTTCTCAAACCTATGCAAACACTCTTTCTACACAGGGAGAAATCGAAC[G>A]TATGGAGAAACAGATTCTGAGTTTGAACCAGAGAAAAGAAGACCTGTTGGTGGACTTGAA-3'
Protein context (NP_878918.2, residues 4031-4051): KLPQLQGEIE[Arg4041His]MEKQILSLNQ